The following is an entry in ClinVar:

ClinVar aggregate classification (germline): Uncertain significance (1 of 4 stars; one submission).

gnomAD v4.1: 31 of 1,613,984 alleles (0.0019%); highest among the groups gnomAD compares: Non-Finnish European, 0.0026%; no homozygotes.

Submission:

Ambry Genetics
Classification: Uncertain significance. Last evaluated: 2022-09-16. Review status: criteria provided, single submitter. Criteria: Ambry Variant Classification Scheme 2023. Collection method: clinical testing. Allele origin: germline.
Comment: The p.P694A variant (also known as c.2080C>G), located in coding exon 18 of the RAD54L gene, results from a C to G substitution at nucleotide position 2080. The proline at codon 694 is replaced by alanine, an amino acid with highly similar properties. This amino acid position is conserved. In addition, this alteration is predicted to be tolerated by in silico analysis. Since supporting evidence is limited at this time, the clinical significance of this alteration remains unclear.

NM_003579.4(RAD54L):c.2080C>G (p.Pro694Ala)

Genes: LRRC41 (leucine rich repeat containing 41; minus strand), RAD54L (RAD54 like; plus strand). Cytogenetic location: 1p34.1.
Variant type: single nucleotide variant.
Coding change: c.2080C>G on transcript NM_003579.4 (MANE Select); coding-DNA position 2080, C replaced by G.
Protein change: p.Pro694Ala; replaces proline 694 with alanine.
Molecular consequence: missense variant. On other transcripts: 3 prime UTR variant (1).
Genome position (GRCh38, 1-based): chr1:46,278,118, C>G. VCF-style: chr1-46278118-C-G. GRCh37 (hg19) VCF-style: chr1-46743790-C-G.
Other names: c.*747G>C (NM_006369.5); c.2080C>G, p.Pro694Ala (NM_001142548.2); c.1540C>G, p.Pro514Ala (NM_001370766.1); short protein forms P514A, P694A.
Identifiers: ClinVar variation 1785555 (VCV001785555.2), dbSNP rs140793609, ClinGen allele CA834811.